The following is an entry in ClinVar:

NM_032588.4(TRIM63):c.646T>C (p.Leu216=)

Gene: TRIM63 (tripartite motif containing 63; minus strand). Cytogenetic location: 1p36.11.
Variant type: single nucleotide variant.
Coding change: c.646T>C on transcript NM_032588.4 (MANE Select); coding-DNA position 646, T replaced by C.
Protein change: p.Leu216=; no amino-acid change (leucine 216 retained).
Molecular consequence: synonymous variant.
Genome position (GRCh38, 1-based): chr1:26,058,575, A>G on the plus strand (T>C on the coding strand, the complement: TRIM63 is on the minus strand). VCF-style: chr1-26058575-A-G. GRCh37 (hg19) VCF-style: chr1-26385066-A-G.
Identifiers: ClinVar variation 4995941 (VCV004995941.1).

ClinVar aggregate classification (germline): Likely benign (1 of 4 stars; one submission).

Conditions:
TRIM63-related disorder. Also called: TRIM63-related condition.

gnomAD v4.1: 41 of 1,614,132 alleles (0.0025%); highest among the groups gnomAD compares: African/African-American, 0.041%; 1 homozygote.

Submission:

PreventionGenetics, part of Exact Sciences
Classification: Likely benign for TRIM63-related condition. Last evaluated: 2026-05-15. Review status: criteria provided, single submitter. Criteria: ACMG Guidelines, 2015. Collection method: clinical testing. Allele origin: germline.
Comment: This variant is classified as likely benign based on ACMG/AMP sequence variant interpretation guidelines (Richards et al. 2015 PMID: 25741868, with internal and published modifications).